The following is an entry in ClinVar:

ClinVar aggregate classification (germline): Uncertain significance (1 of 4 stars; one submission).

Conditions:
Heterotopia, periventricular, X-linked dominant (PVNH1). Also called: PERIVENTRICULAR NODULAR HETEROTOPIA 1; X-linked periventricular heterotopia; PERIVENTRICULAR NODULAR HETEROTOPIA 4; HETEROTOPIA, PERIVENTRICULAR, 1. Identifiers: Orphanet 2149, Orphanet 82004, MedGen C1848213, MONDO:0010233, OMIM 300049.
Melnick-Needles syndrome (MNS). Also called: MELNICK-NEEDLES OSTEODYSPLASTY; OSTEODYSPLASTY OF MELNICK AND NEEDLES; Melnick-Needles Syndrome (FLNA-MNS). Identifiers: Orphanet 2484, MedGen C0025237, MONDO:0010650, OMIM 309350.
Frontometaphyseal dysplasia (FMD1). Identifiers: Orphanet 1826, MedGen C0265293, MONDO:0015942.
Oto-palato-digital syndrome, type II (OPD2). Also called: FACIOPALATOOSSEOUS SYNDROME; OPD II SYNDROME; Otopalatodigital Syndrome Type 2 (FLNA-OPD2); Otopalatodigital Syndrome, Type II. Identifiers: Orphanet 669, Orphanet 90652, MedGen C1844696, MONDO:0010571, OMIM 304120.

Submission:

Labcorp Genetics (formerly Invitae), Labcorp
Classification: Uncertain significance for Oto-palato-digital syndrome, type II; Heterotopia, periventricular, X-linked dominant; Frontometaphyseal dysplasia; Melnick-Needles syndrome. Last evaluated: 2025-08-18. Review status: criteria provided, single submitter. Criteria: Invitae Variant Classification Sherloc (09022015). Collection method: clinical testing. Allele origin: germline.
Comment: This sequence change replaces aspartic acid, which is acidic and polar, with glutamic acid, which is acidic and polar, at codon 25 of the FLNA protein (p.Asp25Glu). This variant is not present in population databases (gnomAD no frequency). This variant has not been reported in the literature in individuals affected with FLNA-related conditions. Invitae Evidence Modeling of protein sequence and biophysical properties (such as structural, functional, and spatial information, amino acid conservation, physicochemical variation, residue mobility, and thermodynamic stability) indicates that this missense variant is not expected to disrupt FLNA protein function with a negative predictive value of 95%. In summary, the available evidence is currently insufficient to determine the role of this variant in disease. Therefore, it has been classified as a Variant of Uncertain Significance.

NM_001110556.2(FLNA):c.75C>G (p.Asp25Glu)

Gene: FLNA (filamin A; minus strand). Cytogenetic location: Xq28.
Variant type: single nucleotide variant.
Coding change: c.75C>G on transcript NM_001110556.2 (MANE Select); coding-DNA position 75, C replaced by G.
Protein change: p.Asp25Glu; replaces aspartic acid 25 with glutamic acid.
Molecular consequence: missense variant.
Genome position (GRCh38, 1-based): chrX:154,371,171, G>C on the plus strand (C>G on the coding strand, the complement: FLNA is on the minus strand). VCF-style: chrX-154371171-G-C. GRCh37 (hg19) VCF-style: chrX-153599539-G-C.
Other names: c.75C>G, p.Asp25Glu (NM_001456.4); short protein forms D25E.
Identifiers: ClinVar variation 4792142 (VCV004792142.1).